The following is an entry in ClinVar:

ClinVar aggregate classification (germline): Uncertain significance (1 of 4 stars; one submission).

Conditions:
Developmental and epileptic encephalopathy, 30 (DEE30). Also called: Epileptic encephalopathy, early infantile, 30. Identifiers: MedGen C4225360, MONDO:0014595, OMIM 616341.

Submission:

Labcorp Genetics (formerly Invitae), Labcorp
Classification: Uncertain significance for Developmental and epileptic encephalopathy, 30. Last evaluated: 2020-06-13. Review status: criteria provided, single submitter. Criteria: Invitae Variant Classification Sherloc (09022015). Collection method: clinical testing. Allele origin: germline.
Comment: This sequence change replaces serine with isoleucine at codon 626 of the SIK1 protein (p.Ser626Ile). The serine residue is highly conserved and there is a large physicochemical difference between serine and isoleucine. In summary, the available evidence is currently insufficient to determine the role of this variant in disease. Therefore, it has been classified as a Variant of Uncertain Significance. Algorithms developed to predict the effect of missense changes on protein structure and function are either unavailable or do not agree on the potential impact of this missense change (SIFT: "Deleterious"; PolyPhen-2: "Benign"; Align-GVGD: "Class C0"). This variant has not been reported in the literature in individuals with SIK1-related conditions. This variant is not present in population databases (ExAC no frequency).

NM_173354.5(SIK1):c.1877G>T (p.Ser626Ile)

Gene: SIK1 (salt inducible kinase 1; minus strand). Cytogenetic location: 21q22.3.
Variant type: single nucleotide variant.
Coding change: c.1877G>T on transcript NM_173354.5 (MANE Select); coding-DNA position 1877, G replaced by T.
Protein change: p.Ser626Ile; replaces serine 626 with isoleucine.
Molecular consequence: missense variant.
Genome position (GRCh38, 1-based): chr21:43,417,642, C>A on the plus strand (G>T on the coding strand, the complement: SIK1 is on the minus strand). VCF-style: chr21-43417642-C-A. GRCh37 (hg19) VCF-style: chr21-44837522-C-A.
Other names: short protein forms S626I.
Identifiers: ClinVar variation 1008603 (VCV001008603.9), dbSNP rs2081038153, ClinGen allele CA410607116.